The following is an entry in ClinVar:

NM_000136.3(FANCC):c.641T>A (p.Ile214Asn)

Genes: AOPEP (aminopeptidase O (putative); plus strand), FANCC (FA complementation group C; minus strand). Cytogenetic location: 9q22.32.
Variant type: single nucleotide variant.
Coding change: c.641T>A on transcript NM_000136.3 (MANE Select); coding-DNA position 641, T replaced by A.
Protein change: p.Ile214Asn; replaces isoleucine 214 with asparagine.
Molecular consequence: missense variant.
Genome position (GRCh38, 1-based): chr9:95,149,968, A>T on the plus strand (T>A on the coding strand, the complement: FANCC is on the minus strand). VCF-style: chr9-95149968-A-T. GRCh37 (hg19) VCF-style: chr9-97912250-A-T.
Other names: c.641T>A, p.Ile214Asn (NM_001243743.2, NM_001243744.2); short protein forms I214N.
Identifiers: ClinVar variation 2790305 (VCV002790305.3), dbSNP rs2135426904, ClinGen allele CA374109606.

ClinVar aggregate classification (germline): Uncertain significance (1 of 4 stars; one submission).

Conditions:
Fanconi anemia (FA). Also called: Fanconi's anemia. Identifiers: Orphanet 84, MedGen C0015625, MeSH D005199, MONDO:0019391.

Submission:

Labcorp Genetics (formerly Invitae), Labcorp
Classification: Uncertain significance for Fanconi anemia. Last evaluated: 2023-03-26. Review status: criteria provided, single submitter. Criteria: Invitae Variant Classification Sherloc (09022015). Collection method: clinical testing. Allele origin: germline.
Comment: In summary, the available evidence is currently insufficient to determine the role of this variant in disease. Therefore, it has been classified as a Variant of Uncertain Significance. Advanced modeling of protein sequence and biophysical properties (such as structural, functional, and spatial information, amino acid conservation, physicochemical variation, residue mobility, and thermodynamic stability) performed at Invitae indicates that this missense variant is not expected to disrupt FANCC protein function. This variant has not been reported in the literature in individuals affected with FANCC-related conditions. This variant is not present in population databases (gnomAD no frequency). This sequence change replaces isoleucine, which is neutral and non-polar, with asparagine, which is neutral and polar, at codon 214 of the FANCC protein (p.Ile214Asn).